The following is an entry in ClinVar:

ClinVar aggregate classification (germline): Uncertain significance (1 of 4 stars; one submission).

Submission:

Labcorp Genetics (formerly Invitae), Labcorp
Classification: Uncertain significance. Last evaluated: 2022-07-01. Review status: criteria provided, single submitter. Criteria: Invitae Variant Classification Sherloc (09022015). Collection method: clinical testing. Allele origin: germline.
Comment: In summary, the available evidence is currently insufficient to determine the role of this variant in disease. Therefore, it has been classified as a Variant of Uncertain Significance. Algorithms developed to predict the effect of missense changes on protein structure and function (SIFT, PolyPhen-2, Align-GVGD) all suggest that this variant is likely to be disruptive. This variant has not been reported in the literature in individuals affected with NBAS-related conditions. This variant is not present in population databases (gnomAD no frequency). This sequence change replaces arginine, which is basic and polar, with serine, which is neutral and polar, at codon 112 of the NBAS protein (p.Arg112Ser).

NM_015909.4(NBAS):c.336G>T (p.Arg112Ser)

Gene: NBAS (NBAS subunit of NRZ tethering complex; minus strand). Cytogenetic location: 2p24.3.
Variant type: single nucleotide variant.
Coding change: c.336G>T on transcript NM_015909.4 (MANE Select); coding-DNA position 336, G replaced by T.
Protein change: p.Arg112Ser; replaces arginine 112 with serine.
Molecular consequence: missense variant. On other transcripts: non-coding transcript variant (1).
Genome position (GRCh38, 1-based): chr2:15,551,536, C>A on the plus strand (G>T on the coding strand, the complement: NBAS is on the minus strand). VCF-style: chr2-15551536-C-A. GRCh37 (hg19) VCF-style: chr2-15691660-C-A.
Other names: short protein forms R112S.
Identifiers: ClinVar variation 2012703 (VCV002012703.4), dbSNP rs2528009025, ClinGen allele CA345892548.